The following is an entry in ClinVar:

ClinVar aggregate classification (germline): Benign (0 of 4 stars; one submission).

Conditions:
XIRP1-related disorder. Also called: XIRP1-related condition.

Allele frequency attached by ClinVar (database versions not stated): ESP Exome Variant Server 0.00900; 1000 Genomes Project 30x 0.02936; 1000 Genomes Project 0.03015.

Submission:

PreventionGenetics, part of Exact Sciences
Classification: Benign for XIRP1-related condition. Last evaluated: 2019-06-14. Review status: no assertion criteria provided. Collection method: clinical testing. Allele origin: germline.
Comment: This variant is classified as benign based on ACMG/AMP sequence variant interpretation guidelines (Richards et al. 2015 PMID: 25741868, with internal and published modifications).

NM_194293.4(XIRP1):c.327C>T (p.His109=)

Gene: XIRP1 (xin actin binding repeat containing 1; minus strand). Cytogenetic location: 3p22.2.
Variant type: single nucleotide variant.
Coding change: c.327C>T on transcript NM_194293.4 (MANE Select); coding-DNA position 327, C replaced by T.
Protein change: p.His109=; no amino-acid change (histidine 109 retained).
Molecular consequence: synonymous variant. On other transcripts: intron variant (1).
Genome position (GRCh38, 1-based): chr3:39,189,119, G>A on the plus strand (C>T on the coding strand, the complement: XIRP1 is on the minus strand). VCF-style: chr3-39189119-G-A. GRCh37 (hg19) VCF-style: chr3-39230610-G-A.
Other names: c.327C>T, p.His109= (NM_001198621.4); c.-168+3327C>T (NM_001351377.2).
Identifiers: ClinVar variation 3043718 (VCV003043718.2), dbSNP rs80147433, ClinGen allele CA2326765.